The following is an entry in ClinVar:

ClinVar aggregate classification (germline): Uncertain significance (1 of 4 stars; one submission).

Conditions:
Charcot-Marie-Tooth disease type 2. Also called: Charcot-Marie-Tooth type 2. Identifiers: Orphanet 64746, MedGen C0270914, MONDO:0018993.

Submission:

Labcorp Genetics (formerly Invitae), Labcorp
Classification: Uncertain significance for Charcot-Marie-Tooth disease type 2. Last evaluated: 2022-10-04. Review status: criteria provided, single submitter. Criteria: Invitae Variant Classification Sherloc (09022015). Collection method: clinical testing. Allele origin: germline.
Comment: In summary, the available evidence is currently insufficient to determine the role of this variant in disease. Therefore, it has been classified as a Variant of Uncertain Significance. Advanced modeling of protein sequence and biophysical properties (such as structural, functional, and spatial information, amino acid conservation, physicochemical variation, residue mobility, and thermodynamic stability) performed at Invitae indicates that this missense variant is not expected to disrupt AARS protein function. This variant has not been reported in the literature in individuals affected with AARS-related conditions. This variant is not present in population databases (gnomAD no frequency). This sequence change replaces isoleucine, which is neutral and non-polar, with leucine, which is neutral and non-polar, at codon 15 of the AARS protein (p.Ile15Leu).

NM_001605.3(AARS1):c.43A>C (p.Ile15Leu)

Gene: AARS1 (alanyl-tRNA synthetase 1; minus strand). Cytogenetic location: 16q22.1.
Variant type: single nucleotide variant.
Coding change: c.43A>C on transcript NM_001605.3 (MANE Select); coding-DNA position 43, A replaced by C.
Protein change: p.Ile15Leu; replaces isoleucine 15 with leucine.
Molecular consequence: missense variant.
Genome position (GRCh38, 1-based): chr16:70,282,721, T>G on the plus strand (A>C on the coding strand, the complement: AARS1 is on the minus strand). VCF-style: chr16-70282721-T-G. GRCh37 (hg19) VCF-style: chr16-70316624-T-G.
Other names: short protein forms I15L.
Identifiers: ClinVar variation 2033989 (VCV002033989.4), dbSNP rs1960733458, ClinGen allele CA396570656.